The following is an entry in ClinVar:

NM_022489.4(INF2):c.1864C>T (p.Arg622Trp)

Gene: INF2 (inverted formin 2; plus strand). Cytogenetic location: 14q32.33.
Variant type: single nucleotide variant.
Coding change: c.1864C>T on transcript NM_022489.4 (MANE Select); coding-DNA position 1864, C replaced by T.
Protein change: p.Arg622Trp; replaces arginine 622 with tryptophan.
Molecular consequence: missense variant.
Genome position (GRCh38, 1-based): chr14:104,708,564, C>T. VCF-style: chr14-104708564-C-T. GRCh37 (hg19) VCF-style: chr14-105174901-C-T.
Other names: c.1864C>T, p.Arg622Trp (NM_001031714.4, NM_001426862.1, NM_001426863.1 and 2 more transcripts); c.1864C>T (NM_022489.3); short protein forms R622W.
Identifiers: ClinVar variation 2939233 (VCV002939233.4), dbSNP rs539256832, ClinGen allele CA7372692.

ClinVar aggregate classification (germline): Conflicting classifications of pathogenicity. Review status: criteria provided, conflicting classifications (1 of 4 stars). 2 submissions from 2 submitters: Uncertain significance (1); Likely benign (1). Last evaluated 2025-11-04.

Conditions:
INF2-related disorder. Also called: INF2-related condition.
Focal segmental glomerulosclerosis 5 (FSGS5). Identifiers: Orphanet 656, MedGen C2750475, MONDO:0013191, OMIM 613237.
Charcot-Marie-Tooth disease dominant intermediate E. Also called: CHARCOT-MARIE-TOOTH NEUROPATHY WITH FOCAL SEGMENTAL GLOMERULONEPHRITIS. Identifiers: Orphanet 93114, MedGen C4302667, MONDO:0013758, OMIM 614455.

Allele frequency attached by ClinVar (database versions not stated): 1000 Genomes Project 30x 0.00016; 1000 Genomes Project 0.00020.
gnomAD v4.1: 27 of 1,612,494 alleles (0.0017%); highest among the groups gnomAD compares: South Asian, 0.0055%; no homozygotes.

Submissions (2):

PreventionGenetics, part of Exact Sciences
Classification: Uncertain significance for INF2-related condition. Last evaluated: 2025-11-04. Review status: criteria provided, single submitter. Criteria: ACMG Guidelines, 2015. Collection method: clinical testing. Allele origin: germline.
Comment: The INF2 c.1864C>T variant is predicted to result in the amino acid substitution p.Arg622Trp. This variant has been reported as a variant of uncertain significance in an individual with chronic kidney disease (Bezdíčka et al. 2018. PubMed ID: 29869118). This variant is reported in 0.0084% of alleles in individuals of African descent in gnomAD. Although we suspect that this variant may be benign, at this time, the clinical significance of this variant is uncertain due to the absence of conclusive functional and genetic evidence.

Labcorp Genetics (formerly Invitae), Labcorp
Classification: Likely benign for Charcot-Marie-Tooth disease dominant intermediate E; Focal segmental glomerulosclerosis 5. Last evaluated: 2024-04-22. Review status: criteria provided, single submitter. Criteria: Invitae Variant Classification Sherloc (09022015). Collection method: clinical testing. Allele origin: germline.